The following is an entry in ClinVar:

NM_007127.3(VIL1):c.483C>G (p.Asn161Lys)

Gene: VIL1 (villin 1; plus strand). Cytogenetic location: 2q35.
Variant type: single nucleotide variant.
Coding change: c.483C>G on transcript NM_007127.3 (MANE Select); coding-DNA position 483, C replaced by G.
Protein change: p.Asn161Lys; replaces asparagine 161 with lysine.
Molecular consequence: missense variant.
Genome position (GRCh38, 1-based): chr2:218,428,253, C>G. VCF-style: chr2-218428253-C-G. GRCh37 (hg19) VCF-style: chr2-219292976-C-G.
Other names: short protein forms N161K.
Identifiers: ClinVar variation 4994012 (VCV004994012.1).

ClinVar aggregate classification (germline): Uncertain significance (1 of 4 stars; one submission).

Conditions:
VIL1-related disorder. Also called: VIL1-related condition.

Submission:

PreventionGenetics, part of Exact Sciences
Classification: Uncertain significance for VIL1-related condition. Last evaluated: 2026-06-20. Review status: criteria provided, single submitter. Criteria: ACMG Guidelines, 2015. Collection method: clinical testing. Allele origin: germline.
Comment: The VIL1 c.483C>G variant is predicted to result in the amino acid substitution p.Asn161Lys. To our knowledge, this variant has not been reported in the literature or in a large population database (gnomAD), indicating this variant is rare. At this time, the clinical significance of this variant is uncertain due to the absence of conclusive functional and genetic evidence.